The following is an entry in ClinVar:

NM_012233.3(RAB3GAP1):c.107_114del (p.Asp36fs)

Gene: RAB3GAP1 (RAB3 GTPase activating protein catalytic subunit 1; plus strand). Cytogenetic location: 2q21.3.
Variant type: Deletion.
Coding change: c.107_114del on transcript NM_012233.3 (MANE Select); coding-DNA positions 107 to 114, 8 bases deleted (ACTGGAAA; older notation c.107_114delACTGGAAA).
Protein change: p.Asp36fs; shifts the reading frame from aspartic acid 36.
Molecular consequence: frameshift variant.
Genome position (GRCh38, 1-based): chr2:135,058,043-135,058,050, ACTGGAAA deleted. VCF-style (leftmost placement, unchanged base first): chr2-135058042-GACTGGAAA-G. GRCh37 (hg19) VCF-style: chr2-135815612-GACTGGAAA-G.
Other names: c.107_114del, p.Asp36fs (NM_001172435.2); short protein forms D36fs.
Identifiers: ClinVar variation 1073466 (VCV001073466.3), dbSNP rs1205637557, ClinGen allele CA536398928.
Genomic context (GRCh38, chr2:135,058,042, plus strand): 5'-TATTTAGAAGCTTTCTCCCTACTTCCTAGGTTTATTTCCAAAGTTGAAGAAGTCTTGAAT[GACTGGAAA>G]CTGATTGGAAACTCTTTGGGAAAGCCACTCGAAAAGGTCAGATCTATTTGCTGGTGTCTC-3'

ClinVar aggregate classification (germline): Pathogenic (1 of 4 stars; one submission).

Allele frequency attached by ClinVar (database versions not stated): gnomAD exomes below 0.00001; TOPMed below 0.00001; gnomAD 0.00001.

Submission:

Labcorp Genetics (formerly Invitae), Labcorp
Classification: Pathogenic. Last evaluated: 2026-01-19. Review status: criteria provided, single submitter. Criteria: Invitae Variant Classification Sherloc (09022015). Collection method: clinical testing. Allele origin: germline.
Comment: This sequence change creates a premature translational stop signal (p.Asp36Alafs*26) in the RAB3GAP1 gene. It is expected to result in an absent or disrupted protein product. Loss-of-function variants in RAB3GAP1 are known to be pathogenic (PMID: 23420520). This variant is present in population databases (no rsID available, gnomAD 0.007%). This variant has not been reported in the literature in individuals affected with RAB3GAP1-related conditions. ClinVar contains an entry for this variant (Variation ID: 1073466). For these reasons, this variant has been classified as Pathogenic.

Literature cited by the submitters: PubMed 23420520.